The following is an entry in ClinVar:

NM_001167.4(XIAP):c.*3707T>G

Gene: XIAP (X-linked inhibitor of apoptosis; plus strand). Cytogenetic location: Xq25.
Variant type: single nucleotide variant.
Coding change: c.*3707T>G on transcript NM_001167.4 (MANE Select); 3707 bases downstream of the stop codon, T replaced by G.
Molecular consequence: 3 prime UTR variant. On other transcripts: non-coding transcript variant (2).
Genome position (GRCh38, 1-based): chrX:123,910,888, T>G. VCF-style: chrX-123910888-T-G. GRCh37 (hg19) VCF-style: chrX-123044738-T-G.
Other names: c.*3707T>G (NM_001204401.2, NM_001378590.1, NM_001378591.1 and 1 more transcripts).
Identifiers: ClinVar variation 367827 (VCV000367827.5), dbSNP rs766102484, ClinGen allele CA10653767.

ClinVar aggregate classification (germline): Benign (1 of 4 stars; one submission).

Conditions:
X-linked lymphoproliferative disease due to XIAP deficiency. Also called: XIAP DEFICIENCY; XIAP-Related Lymphoproliferative Disease, X-Linked. Identifiers: Orphanet 2442, Orphanet 538934, MedGen C1845076, MONDO:0010385, OMIM 300635.

Allele frequency attached by ClinVar (database versions not stated): gnomAD exomes 0.00015 and 0.00024; TOPMed 0.00021; 1000 Genomes Project 30x 0.00042; 1000 Genomes Project 0.00079.
gnomAD v4.1: 51 of 283,524 alleles (0.018%); highest among the groups gnomAD compares: African/African-American, 0.04%; no homozygotes.

Submission:

Illumina Laboratory Services, Illumina
Classification: Benign for X-linked lymphoproliferative disease due to XIAP deficiency. Last evaluated: 2018-01-12. Review status: criteria provided, single submitter. Criteria: ICSL Variant Classification Criteria 13 December 2019. Collection method: clinical testing. Allele origin: germline.
Comment: This variant was observed in the ICSL laboratory as part of a predisposition screen in an ostensibly healthy population. It had not been previously curated by ICSL or reported in the Human Gene Mutation Database (HGMD: prior to June 1st, 2018), and was therefore a candidate for classification through an automated scoring system. Utilizing variant allele frequency, disease prevalence and penetrance estimates, and inheritance mode, an automated score was calculated to assess if this variant is too frequent to cause the disease. Based on the score and internal cut-off values, a variant classified as benign is not then subjected to further curation. The score for this variant resulted in a classification of benign for this disease.